The following is an entry in ClinVar:

NM_015450.3(POT1):c.703G>A (p.Val235Ile)

Gene: POT1 (protection of telomeres 1; minus strand). Cytogenetic location: 7q31.33.
Variant type: single nucleotide variant.
Coding change: c.703G>A on transcript NM_015450.3 (MANE Select); coding-DNA position 703, G replaced by A.
Protein change: p.Val235Ile; replaces valine 235 with isoleucine.
Molecular consequence: missense variant. On other transcripts: non-coding transcript variant (3).
Genome position (GRCh38, 1-based): chr7:124,853,138, C>T on the plus strand (G>A on the coding strand, the complement: POT1 is on the minus strand). VCF-style: chr7-124853138-C-T. GRCh37 (hg19) VCF-style: chr7-124493192-C-T.
Other names: c.310G>A, p.Val104Ile (NM_001042594.2); short protein forms V235I, V104I.
Identifiers: ClinVar variation 486137 (VCV000486137.18), dbSNP rs753638532, ClinGen allele CA4465364.

ClinVar aggregate classification (germline): Conflicting classifications of pathogenicity. Review status: criteria provided, conflicting classifications (1 of 4 stars). 5 submissions from 5 submitters: Uncertain significance (4); Likely benign (1). Last evaluated 2026-04-26.

Conditions:
POT1-related disorder. Also called: POT1-related condition.
Tumor predisposition syndrome 3 (TPDS3). Also called: Melanoma, cutaneous malignant, susceptibility to, 10; Glioma susceptibility 9; LONG TELOMERE SYNDROME, POT1-RELATED; POT1 Tumor Predisposition. Identifiers: Orphanet 618, MedGen C4014476, MONDO:0014368, OMIM 615848.
Hereditary cancer-predisposing syndrome. Also called: Neoplastic Syndromes, Hereditary; Hereditary Cancer Syndrome; Tumor predisposition; Hereditary neoplastic syndrome. Identifiers: Orphanet 140162, MedGen C0027672, MeSH D009386, MONDO:0015356.

Allele frequency attached by ClinVar (database versions not stated): gnomAD exomes 0.00001 and 0.00002; TOPMed 0.00002; ExAC 0.00003; gnomAD 0.00003 and 0.00004.
gnomAD v4.1: 16 of 1,557,294 alleles (0.001%); highest among the groups gnomAD compares: African/African-American, 0.012%; no homozygotes.

Submissions (5):

PreventionGenetics, part of Exact Sciences
Classification: Uncertain significance for POT1-related condition. Last evaluated: 2026-04-26. Review status: criteria provided, single submitter. Criteria: ACMG Guidelines, 2015. Collection method: clinical testing. Allele origin: germline.
Comment: The POT1 c.703G>A variant is predicted to result in the amino acid substitution p.Val235Ile. This variant has been reported in an individual with acute myeloid leukemia (Lim et al. 2022. PubMed ID: 34193977). This variant is reported in 0.013% of alleles in individuals of African descent in gnomAD. At this time, the clinical significance of this variant is uncertain due to the absence of conclusive functional and genetic evidence.

Labcorp Genetics (formerly Invitae), Labcorp
Classification: Uncertain significance for Tumor predisposition syndrome 3. Last evaluated: 2025-11-23. Review status: criteria provided, single submitter. Criteria: Invitae Variant Classification Sherloc (09022015). Collection method: clinical testing. Allele origin: germline.
Comment: This sequence change replaces valine, which is neutral and non-polar, with isoleucine, which is neutral and non-polar, at codon 235 of the POT1 protein (p.Val235Ile). This variant is present in population databases (rs753638532, gnomAD 0.02%). This missense change has been observed in individual(s) with acute myeloid leukemia (PMID: 34193977). ClinVar contains an entry for this variant (Variation ID: 486137). An algorithm developed to predict the effect of missense changes on protein structure and function outputs the following: PolyPhen-2: "Benign". The isoleucine amino acid residue is found in multiple mammalian species, which suggests that this missense change does not adversely affect protein function. RNA analysis performed to evaluate the impact of this missense change on mRNA splicing indicates it does not significantly alter splicing (internal data). In summary, the available evidence is currently insufficient to determine the role of this variant in disease. Therefore, it has been classified as a Variant of Uncertain Significance.

Ambry Genetics
Classification: Likely benign for Hereditary cancer-predisposing syndrome. Last evaluated: 2025-02-01. Review status: criteria provided, single submitter. Criteria: Ambry Variant Classification Scheme 2023. Collection method: clinical testing. Allele origin: germline.

Quest Diagnostics Nichols Institute San Juan Capistrano
Classification: Uncertain significance. Last evaluated: 2024-06-12. Review status: criteria provided, single submitter. Criteria: Quest Diagnostics criteria. Collection method: clinical testing. Allele origin: unknown.
Comment: The POT1 c.703G>A (p.Val235Ile) variant has been reported in the published literature in an individual with acute myeloid leukemia (PMID: 34193977 (2021)). The frequency of this variant in the general population, 0.00013 (2/15454 chromosomes (Genome Aggregation Database)), is uninformative in the assessment of its pathogenicity. Analysis of this variant using bioinformatics tools for the prediction of the effect of amino acid changes on protein structure and function yielded predictions that this variant is benign. Based on the available information, we are unable to determine the clinical significance of this variant.

GeneDx
Classification: Uncertain significance. Last evaluated: 2022-08-10. Review status: criteria provided, single submitter. Criteria: GeneDx Variant Classification Process June 2021. Collection method: clinical testing. Allele origin: germline. Affected: yes.
Comment: Not observed at significant frequency in large population cohorts (gnomAD); In silico analysis supports that this missense variant does not alter protein structure/function; Observed in an individual with AML (Lim et al., 2021); This variant is associated with the following publications: (PMID: 34193977, 28393830)

Literature cited by the submitters: PubMed 34193977 (cited by 3 submitters); PubMed 30556179 (cited by Quest Diagnostics Nichols Institute San Juan Capistrano); PubMed 38254993 (cited by Quest Diagnostics Nichols Institute San Juan Capistrano).